The following is an entry in ClinVar:

NM_173551.5(ANKS6):c.1310C>T (p.Ser437Leu)

Gene: ANKS6 (ankyrin repeat and sterile alpha motif domain containing 6; minus strand). Cytogenetic location: 9q22.33.
Variant type: single nucleotide variant.
Coding change: c.1310C>T on transcript NM_173551.5 (MANE Select); coding-DNA position 1310, C replaced by T.
Protein change: p.Ser437Leu; replaces serine 437 with leucine.
Molecular consequence: missense variant.
Genome position (GRCh38, 1-based): chr9:98,780,247, G>A on the plus strand (C>T on the coding strand, the complement: ANKS6 is on the minus strand). VCF-style: chr9-98780247-G-A. GRCh37 (hg19) VCF-style: chr9-101542529-G-A.
Other names: c.1310C>T (NM_173551.3); short protein forms S437L.
Identifiers: ClinVar variation 947081 (VCV000947081.12), dbSNP rs60911313, ClinGen allele CA5153551.

ClinVar aggregate classification (germline): Uncertain significance. Review status: criteria provided, multiple submitters, no conflicts (2 of 4 stars). 3 submissions from 3 submitters: Uncertain significance (3). Last evaluated 2025-08-04.

Conditions:
Inborn genetic diseases. Identifiers: MedGen C0950123, MeSH D030342.
Nephronophthisis 16 (NPHP16). Identifiers: Orphanet 655, MedGen C3809320, MONDO:0014158, OMIM 615382.

Allele frequency attached by ClinVar (database versions not stated): ExAC 0.00006; TOPMed 0.00019; 1000 Genomes Project 0.00060; 1000 Genomes Project 30x 0.00078; gnomAD 0.00015 and 0.00016.
gnomAD v4.1: 70 of 1,613,936 alleles (0.0043%); highest among the groups gnomAD compares: African/African-American, 0.044%; no homozygotes.

Submissions (3):

Ambry Genetics
Classification: Uncertain significance for Inborn genetic diseases. Last evaluated: 2025-08-04. Review status: criteria provided, single submitter. Criteria: Ambry Variant Classification Scheme 2023. Collection method: clinical testing. Allele origin: germline.

Labcorp Genetics (formerly Invitae), Labcorp
Classification: Uncertain significance for Nephronophthisis 16. Last evaluated: 2025-06-12. Review status: criteria provided, single submitter. Criteria: Invitae Variant Classification Sherloc (09022015). Collection method: clinical testing. Allele origin: germline.
Comment: This sequence change replaces serine, which is neutral and polar, with leucine, which is neutral and non-polar, at codon 437 of the ANKS6 protein (p.Ser437Leu). This variant is present in population databases (rs60911313, gnomAD 0.03%). This variant has not been reported in the literature in individuals affected with ANKS6-related conditions. ClinVar contains an entry for this variant (Variation ID: 947081). An algorithm developed to predict the effect of missense changes on protein structure and function outputs the following: PolyPhen-2: "Benign". The leucine amino acid residue is found in multiple mammalian species, which suggests that this missense change does not adversely affect protein function. In summary, the available evidence is currently insufficient to determine the role of this variant in disease. Therefore, it has been classified as a Variant of Uncertain Significance.

Fulgent Genetics
Classification: Uncertain significance for Nephronophthisis 16. Last evaluated: 2024-03-02. Review status: criteria provided, single submitter. Criteria: ACMG Guidelines, 2015. Collection method: clinical testing. Allele origin: germline.